The following is an entry in ClinVar:

ClinVar aggregate classification (germline): Uncertain significance (1 of 4 stars; one submission).

Conditions:
Early-infantile DEE. Also called: Early infantile epileptic encephalopathy with suppression bursts; Ohtahara syndrome; Early infantile epileptic encephalopathy. Identifiers: Orphanet 1934, MedGen C0393706, MONDO:0800491.

Submission:

Labcorp Genetics (formerly Invitae), Labcorp
Classification: Uncertain significance for Early-infantile DEE. Last evaluated: 2020-07-09. Review status: criteria provided, single submitter. Criteria: Invitae Variant Classification Sherloc (09022015). Collection method: clinical testing. Allele origin: germline.
Comment: In summary, the available evidence is currently insufficient to determine the role of this variant in disease. Therefore, it has been classified as a Variant of Uncertain Significance. This variant disrupts the p.Asp355 amino acid residue in KCNQ2. Other variant(s) that disrupt this residue have been determined to be pathogenic (PMID: 28926830, Invitae). This suggests that this residue is clinically significant, and that variants that disrupt this residue are likely to be disease-causing. Algorithms developed to predict the effect of missense changes on protein structure and function (SIFT, PolyPhen-2, Align-GVGD) all suggest that this variant is likely to be disruptive, but these predictions have not been confirmed by published functional studies and their clinical significance is uncertain. This variant has not been reported in the literature in individuals with KCNQ2-related conditions. This variant is not present in population databases (ExAC no frequency). This sequence change replaces aspartic acid with tyrosine at codon 355 of the KCNQ2 protein (p.Asp355Tyr). The aspartic acid residue is highly conserved and there is a large physicochemical difference between aspartic acid and tyrosine.

Literature cited by the submitters: PubMed 28926830.

NM_172107.4(KCNQ2):c.1063G>T (p.Asp355Tyr)

Gene: KCNQ2 (potassium voltage-gated channel subfamily Q member 2; minus strand). Cytogenetic location: 20q13.33.
Variant type: single nucleotide variant.
Coding change: c.1063G>T on transcript NM_172107.4 (MANE Select); coding-DNA position 1063, G replaced by T.
Protein change: p.Asp355Tyr; replaces aspartic acid 355 with tyrosine.
Molecular consequence: missense variant.
Genome position (GRCh38, 1-based): chr20:63,433,864, C>A on the plus strand (G>T on the coding strand, the complement: KCNQ2 is on the minus strand). VCF-style: chr20-63433864-C-A. GRCh37 (hg19) VCF-style: chr20-62065217-C-A.
Other names: c.1063G>T, p.Asp355Tyr (NM_001382235.1, NM_004518.6, NM_172106.3 and 2 more transcripts); short protein forms D355Y.
Identifiers: ClinVar variation 1003511 (VCV001003511.9), dbSNP rs2080905348, ClinGen allele CA409651174.